The following is an entry in ClinVar:

NM_000228.3(LAMB3):c.1236A>G (p.Leu412=)

Gene: LAMB3 (laminin subunit beta 3; minus strand). Cytogenetic location: 1q32.2.
Variant type: single nucleotide variant.
Coding change: c.1236A>G on transcript NM_000228.3 (MANE Select); coding-DNA position 1236, A replaced by G.
Protein change: p.Leu412=; no amino-acid change (leucine 412 retained).
Molecular consequence: synonymous variant.
Genome position (GRCh38, 1-based): chr1:209,628,087, T>C on the plus strand (A>G on the coding strand, the complement: LAMB3 is on the minus strand). VCF-style: chr1-209628087-T-C. GRCh37 (hg19) VCF-style: chr1-209801432-T-C.
Other names: c.1236A>G, p.Leu412= (NM_001017402.2, NM_001127641.1).
Identifiers: ClinVar variation 739916 (VCV000739916.16), dbSNP rs202113091, ClinGen allele CA1375663.

ClinVar aggregate classification (germline): Benign/Likely benign. Review status: criteria provided, multiple submitters, no conflicts (2 of 4 stars). 4 submissions from 4 submitters: Benign (1); Likely benign (3). Last evaluated 2026-01-09.

Conditions:
Junctional epidermolysis bullosa. Identifiers: Orphanet 305, MedGen C0079301, MONDO:0017612.
LAMB3-related disorder. Also called: LAMB3-related condition.

Allele frequency attached by ClinVar (database versions not stated): gnomAD 0.00003; TOPMed 0.00009; 1000 Genomes Project 30x 0.00016; gnomAD exomes 0.00016 and 0.00036; 1000 Genomes Project 0.00020; ExAC 0.00067.
gnomAD v4.1: 97 of 1,605,720 alleles (0.006%); highest among the groups gnomAD compares: Admixed American, 0.16%; no homozygotes.

Submissions (4):

Labcorp Genetics (formerly Invitae), Labcorp
Classification: Benign. Last evaluated: 2026-01-09. Review status: criteria provided, single submitter. Criteria: Invitae Variant Classification Sherloc (09022015). Collection method: clinical testing. Allele origin: germline.

PreventionGenetics, part of Exact Sciences
Classification: Likely benign for LAMB3-related condition. Last evaluated: 2025-11-10. Review status: criteria provided, single submitter. Criteria: ACMG Guidelines, 2015. Collection method: clinical testing. Allele origin: germline.
Comment: This variant is classified as likely benign based on ACMG/AMP sequence variant interpretation guidelines (Richards et al. 2015 PMID: 25741868, with internal and published modifications).

Blueprint Genetics
Classification: Likely benign. Last evaluated: 2021-05-24. Review status: criteria provided, single submitter. Criteria: ACMG Guidelines, 2015. Collection method: clinical testing. Allele origin: germline.

Illumina Laboratory Services, Illumina
Classification: Likely benign for Junctional epidermolysis bullosa. Last evaluated: 2018-01-13. Review status: criteria provided, single submitter. Criteria: ICSL Variant Classification Criteria 13 December 2019. Collection method: clinical testing. Allele origin: germline.
Comment: This variant was observed in the ICSL laboratory as part of a predisposition screen in an ostensibly healthy population. It had not been previously curated by ICSL or reported in the Human Gene Mutation Database (HGMD: prior to June 1st, 2018), and was therefore a candidate for classification through an automated scoring system. Utilizing variant allele frequency, disease prevalence and penetrance estimates, and inheritance mode, an automated score was calculated to assess if this variant is too frequent to cause the disease. Based on the score and internal cut-off values, a variant classified as likely benign is not then subjected to further curation. The score for this variant resulted in a classification of likely benign for this disease.